The following is an entry in ClinVar:

NM_000143.4(FH):c.1465C>A (p.Leu489Ile)

Gene: FH (fumarate hydratase; minus strand). Cytogenetic location: 1q43.
Variant type: single nucleotide variant.
Coding change: c.1465C>A on transcript NM_000143.4 (MANE Select); coding-DNA position 1465, C replaced by A.
Protein change: p.Leu489Ile; replaces leucine 489 with isoleucine.
Molecular consequence: missense variant.
Genome position (GRCh38, 1-based): chr1:241,497,896, G>T on the plus strand (C>A on the coding strand, the complement: FH is on the minus strand). VCF-style: chr1-241497896-G-T. GRCh37 (hg19) VCF-style: chr1-241661196-G-T.
Other names: short protein forms L489I.
Identifiers: ClinVar variation 5021729 (VCV005021729.1).

ClinVar aggregate classification (germline): Uncertain significance (1 of 4 stars; one submission).

Conditions:
Hereditary cancer-predisposing syndrome. Also called: Neoplastic Syndromes, Hereditary; Tumor predisposition; Hereditary neoplastic syndrome; Hereditary Cancer Syndrome. Identifiers: Orphanet 140162, MedGen C0027672, MeSH D009386, MONDO:0015356.

Submission:

Ambry Genetics
Classification: Uncertain significance for Hereditary cancer-predisposing syndrome. Last evaluated: 2026-07-06. Review status: criteria provided, single submitter. Criteria: Ambry Variant Classification Scheme 2023. Collection method: clinical testing. Allele origin: germline.
Comment: The p.L489I variant (also known as c.1465C>A), located in coding exon 10 of the FH gene, results from a C to A substitution at nucleotide position 1465. The leucine at codon 489 is replaced by isoleucine, an amino acid with highly similar properties. This amino acid position is conserved. In addition, this alteration is predicted to be deleterious by in silico analysis. Based on the available evidence, the clinical significance of this variant remains unclear.